The following is an entry in ClinVar:

ClinVar aggregate classification (germline): Uncertain significance (1 of 4 stars; one submission).

Conditions:
Congenital myasthenic syndrome 10. Also called: Myasthenia, limb-girdle, familial. Identifiers: Orphanet 590, MedGen C1850792, MONDO:0009690, OMIM 254300.
Fetal akinesia deformation sequence 1 (FADS1). Also called: Fetal akinesia sequence; Pena-Shokeir syndrome type I. Identifiers: Orphanet 994, MedGen C1276035, MONDO:0100101, OMIM 208150, HP:0001989.

Allele frequency attached by ClinVar (database versions not stated): gnomAD exomes below 0.00001.
gnomAD v4.1: 1 of 1,604,292 alleles (0.000062%); highest among the groups gnomAD compares: East Asian, 0.0023%; no homozygotes.

Submission:

Labcorp Genetics (formerly Invitae), Labcorp
Classification: Uncertain significance for Congenital myasthenic syndrome 10; Fetal akinesia deformation sequence 1. Last evaluated: 2022-07-05. Review status: criteria provided, single submitter. Criteria: Invitae Variant Classification Sherloc (09022015). Collection method: clinical testing. Allele origin: germline.
Comment: This sequence change replaces leucine, which is neutral and non-polar, with proline, which is neutral and non-polar, at codon 184 of the DOK7 protein (p.Leu184Pro). This variant is not present in population databases (gnomAD no frequency). This variant has not been reported in the literature in individuals affected with DOK7-related conditions. ClinVar contains an entry for this variant (Variation ID: 1362417). Algorithms developed to predict the effect of missense changes on protein structure and function are either unavailable or do not agree on the potential impact of this missense change (SIFT: "Deleterious"; PolyPhen-2: "Probably Damaging"; Align-GVGD: "Class C0"). In summary, the available evidence is currently insufficient to determine the role of this variant in disease. Therefore, it has been classified as a Variant of Uncertain Significance.

NM_173660.5(DOK7):c.551T>C (p.Leu184Pro)

Genes: DOK7 (docking protein 7; plus strand), LOC126806951 (CDK7 strongly-dependent group 2 enhancer GRCh37_chr4:3486115-3487314; plus strand). Cytogenetic location: 4p16.3.
Variant type: single nucleotide variant.
Coding change: c.551T>C on transcript NM_173660.5 (MANE Select); coding-DNA position 551, T replaced by C.
Protein change: p.Leu184Pro; replaces leucine 184 with proline.
Molecular consequence: missense variant. On other transcripts: synonymous variant (1), 5 prime UTR variant (1).
Genome position (GRCh38, 1-based): chr4:3,485,557, T>C. VCF-style: chr4-3485557-T-C. GRCh37 (hg19) VCF-style: chr4-3487284-T-C.
Other names: c.540T>C, p.Pro180= (NM_001164673.2); c.-380T>C (NM_001256896.2); c.551T>C, p.Leu184Pro (NM_001301071.2); c.119T>C, p.Leu40Pro (NM_001363811.2); short protein forms L40P, L184P.
Identifiers: ClinVar variation 1362417 (VCV001362417.8), dbSNP rs1727718542, ClinGen allele CA356114905.
Genomic context (GRCh38, chr4:3,485,557, plus strand): 5'-GCCCTCGGGCCAGACTGACCTGTCTCTGTCCTTCCTCTGCAGGGGCTGGCGTCTTCTTCC[T>C]GTCCTCGGCCGAGGGGGAGCAGATCAGCTTCCTGTTCGACTGCATCGTCCGAGGCATCTC-3'
Protein context (NP_775931.3, residues 174-194): RCGYWAGVFF[Leu184Pro]SSAEGEQISF